The following is an entry in ClinVar:

NM_001261826.3(AP3D1):c.1860-15_1860-14delinsCT

Gene: AP3D1 (adaptor related protein complex 3 subunit delta 1; minus strand). Cytogenetic location: 19p13.3.
Variant type: Indel.
Coding change: c.1860-15_1860-14delinsCT on transcript NM_001261826.3 (MANE Select); 15 bases into the intron before coding-DNA position 1860 through 14 bases into the intron before coding-DNA position 1860, TC replaced by CT.
Molecular consequence: intron variant.
Genome position (GRCh38, 1-based): chr19:2,116,760-2,116,761, GA replaced by AG on the plus strand (TC replaced by CT on the coding strand, the reverse complement: AP3D1 is on the minus strand). VCF-style: chr19-2116760-GA-AG. GRCh37 (hg19) VCF-style: chr19-2116759-GA-AG.
Other names: c.1860-15_1860-14delinsCT (NM_003938.8, NM_001374799.1).
Identifiers: ClinVar variation 4803682 (VCV004803682.1).
Genomic context (GRCh38, chr19:2,116,760, plus strand): 5'-ACTCGCTGTCCGAGAGTGGCTCATTGATCCAGGCGTCCAGGTCCAGGCTGCACCGGACAG[GA>AG]GGGCCACACAAGGCAGTGTGTGACCGAGCACGCGCCTGCAGGCGTCCGCCCTGAGCAGGC-3'

ClinVar aggregate classification (germline): Uncertain significance (1 of 4 stars; one submission).

Submission:

Labcorp Genetics (formerly Invitae), Labcorp
Classification: Uncertain significance. Last evaluated: 2025-03-20. Review status: criteria provided, single submitter. Criteria: Invitae Variant Classification Sherloc (09022015). Collection method: clinical testing. Allele origin: germline.
Comment: This sequence change falls in intron 16 of the AP3D1 gene. It does not directly change the encoded amino acid sequence of the AP3D1 protein. Information on the frequency of this variant in the gnomAD database is not available, as this variant may be reported differently in the database. This variant has not been reported in the literature in individuals affected with AP3D1-related conditions. Experimental studies and prediction algorithms are not available or were not evaluated, and the effect of this variant on mRNA splicing is currently unknown. In summary, the available evidence is currently insufficient to determine the role of this variant in disease. Therefore, it has been classified as a Variant of Uncertain Significance.